The following is an entry in ClinVar:

ClinVar aggregate classification (germline): Uncertain significance (1 of 4 stars; one submission).

Submission:

Ambry Genetics
Classification: Uncertain significance. Last evaluated: 2021-12-11. Review status: criteria provided, single submitter. Criteria: Ambry Variant Classification Scheme 2023. Collection method: clinical testing. Allele origin: germline.
Comment: The p.T52P variant (also known as c.154A>C), located in coding exon 1 of the TERF2IP gene, results from an A to C substitution at nucleotide position 154. The threonine at codon 52 is replaced by proline, an amino acid with highly similar properties. This amino acid position is conserved. In addition, this alteration is predicted to be tolerated by in silico analysis. Since supporting evidence is limited at this time, the clinical significance of this alteration remains unclear.

NM_018975.4(TERF2IP):c.154A>C (p.Thr52Pro)

Gene: TERF2IP (TERF2 interacting protein; plus strand). Cytogenetic location: 16q23.1.
Variant type: single nucleotide variant.
Coding change: c.154A>C on transcript NM_018975.4 (MANE Select); coding-DNA position 154, A replaced by C.
Protein change: p.Thr52Pro; replaces threonine 52 with proline.
Molecular consequence: missense variant. On other transcripts: non-coding transcript variant (1).
Genome position (GRCh38, 1-based): chr16:75,648,036, A>C. VCF-style: chr16-75648036-A-C. GRCh37 (hg19) VCF-style: chr16-75681934-A-C.
Other names: short protein forms T52P.
Identifiers: ClinVar variation 1775003 (VCV001775003.2), dbSNP rs1597183021, ClinGen allele CA396817333.